The following is an entry in ClinVar:

NM_000487.6(ARSA):c.1108-1G>C

Gene: ARSA (arylsulfatase A; minus strand). Cytogenetic location: 22q13.33.
Variant type: single nucleotide variant.
Coding change: c.1108-1G>C on transcript NM_000487.6 (MANE Select); the canonical splice acceptor site of the intron before coding-DNA position 1108, G replaced by C.
Molecular consequence: splice acceptor variant.
Genome position (GRCh38, 1-based): chr22:50,625,682, C>G on the plus strand (G>C on the coding strand, the complement: ARSA is on the minus strand). VCF-style: chr22-50625682-C-G. GRCh37 (hg19) VCF-style: chr22-51064110-C-G.
Other names: c.850-1G>C (NM_001362782.2, NM_001085428.3); c.1108-1G>C (NM_001085427.3, NM_001085426.3, NM_001085425.3).
Identifiers: ClinVar variation 1677057 (VCV001677057.1), dbSNP rs2146718041, ClinGen allele CA412170860.
Genomic context (GRCh38, chr22:50,625,682, plus strand): 5'-AAAAACCCCACGGACCTCGTCTGGGTAGGACGGGTAGAAGAAGAGAGACTGCCGAGGGCT[C>G]TGGGGGCAGAGTCAGGGGTCACGGGGCGGGGCAGGCCCCAAGCACTGCACATACCTGGGG-3'

ClinVar aggregate classification (germline): Likely pathogenic (1 of 4 stars; one submission).

Conditions:
Metachromatic leukodystrophy (MLD). Also called: Cerebral sclerosis diffuse metachromatic form; ARSA DEFICIENCY; CEREBROSIDE SULFATASE DEFICIENCY; Arylsulfatase A Deficiency; METACHROMATIC LEUKOENCEPHALOPATHY; SULFATIDE LIPIDOSIS. Identifiers: Orphanet 512, MedGen C0023522, MONDO:0018868, OMIM 250100.

Submission:

Women's Health and Genetics/Laboratory Corporation of America, LabCorp
Classification: Likely pathogenic for Metachromatic leukodystrophy. Last evaluated: 2022-03-09. Review status: criteria provided, single submitter. Criteria: LabCorp Variant Classification Summary - May 2015. Collection method: clinical testing. Allele origin: germline.
Comment: Variant summary: ARSA c.1108-1G>C alters a conserved nucleotide located in a canonical splice-site and is predicted to affect mRNA splicing resulting in a significantly altered protein due to either exon skipping, shortening, or inclusion of intronic material. Several computational tools predict a significant impact on normal splicing: Four predict the variant abolishes the canonical 3' splice acceptor site. Four predict the variant strengthens an alternate exonic 3' splice acceptor site that is predicted to result in a frameshifted protein. However, these predictions have yet to be confirmed by functional studies. The variant was absent in 249706 control chromosomes. To our knowledge, no occurrence of c.1108-1G>C in individuals affected with Metachromatic Leukodystrophy and no experimental evidence demonstrating its impact on protein function have been reported. No clinical diagnostic laboratories have submitted clinical-significance assessments for this variant to ClinVar after 2014. Based on the evidence outlined above, the variant was classified as likely pathogenic.